The following is an entry in ClinVar:

NM_001099274.3(TINF2):c.1166T>A (p.Ile389Lys)

Gene: TINF2 (TERF1 interacting nuclear factor 2; minus strand). Cytogenetic location: 14q12.
Variant type: single nucleotide variant.
Coding change: c.1166T>A on transcript NM_001099274.3 (MANE Select); coding-DNA position 1166, T replaced by A.
Protein change: p.Ile389Lys; replaces isoleucine 389 with lysine.
Molecular consequence: missense variant. On other transcripts: 3 prime UTR variant (1).
Genome position (GRCh38, 1-based): chr14:24,240,119, A>T on the plus strand (T>A on the coding strand, the complement: TINF2 is on the minus strand). VCF-style: chr14-24240119-A-T. GRCh37 (hg19) VCF-style: chr14-24709325-A-T.
Other names: c.1061T>A, p.Ile354Lys (NM_001363668.2); c.*296T>A (NM_012461.3); short protein forms I354K, I389K.
Identifiers: ClinVar variation 1035652 (VCV001035652.7), dbSNP rs192423622, ClinGen allele CA389221727.
Genomic context (GRCh38, chr14:24,240,119, plus strand): 5'-CTCACCTTTCCTTCCCCCTGGCCATTTTCTTCCTCATCAGAGTCTAAAACCAAGTCCCCT[A>T]TGGTAATGACGGAGCTGCACAGAGACGGAGGACACACTGTAGGAGGGAAACCAGAATCAA-3'
Protein context (NP_001092744.1, residues 379-399): PPSLCSSVIT[Ile389Lys]GDLVLDSDEE

ClinVar aggregate classification (germline): Uncertain significance. Review status: criteria provided, multiple submitters, no conflicts (2 of 4 stars). 2 submissions from 2 submitters: Uncertain significance (2). Last evaluated 2025-12-29.

Conditions:
Dyskeratosis congenita. Identifiers: Orphanet 1775, MedGen C0265965, MONDO:0015780.

Submissions (2):

Center for Genomic Medicine, Rigshospitalet, Copenhagen University Hospital
Classification: Uncertain significance. Last evaluated: 2025-12-29. Review status: criteria provided, single submitter. Criteria: ACMG Guidelines, 2015. Collection method: clinical testing. Allele origin: germline.

Labcorp Genetics (formerly Invitae), Labcorp
Classification: Uncertain significance for Dyskeratosis congenita. Last evaluated: 2025-04-22. Review status: criteria provided, single submitter. Criteria: Invitae Variant Classification Sherloc (09022015). Collection method: clinical testing. Allele origin: germline.
Comment: This sequence change replaces isoleucine, which is neutral and non-polar, with lysine, which is basic and polar, at codon 389 of the TINF2 protein (p.Ile389Lys). This variant is not present in population databases (gnomAD no frequency). This variant has not been reported in the literature in individuals affected with TINF2-related conditions. ClinVar contains an entry for this variant (Variation ID: 1035652). An algorithm developed to predict the effect of missense changes on protein structure and function (PolyPhen-2) suggests that this variant is likely to be disruptive. In summary, the available evidence is currently insufficient to determine the role of this variant in disease. Therefore, it has been classified as a Variant of Uncertain Significance.